The following is an entry in ClinVar:

NM_206933.4(USH2A):c.1869C>A (p.Tyr623Ter)

Gene: USH2A (usherin; minus strand). Cytogenetic location: 1q41.
Variant type: single nucleotide variant.
Coding change: c.1869C>A on transcript NM_206933.4 (MANE Select); coding-DNA position 1869, C replaced by A.
Protein change: p.Tyr623Ter; replaces tyrosine 623 with a stop codon.
Molecular consequence: nonsense.
Genome position (GRCh38, 1-based): chr1:216,289,382, G>T on the plus strand (C>A on the coding strand, the complement: USH2A is on the minus strand). VCF-style: chr1-216289382-G-T. GRCh37 (hg19) VCF-style: chr1-216462724-G-T.
Other names: c.1869C>A, p.Tyr623Ter (NM_007123.6); short protein forms Y623*.
Identifiers: ClinVar variation 5015510 (VCV005015510.1).

ClinVar aggregate classification (germline): Pathogenic (1 of 4 stars; one submission).

Conditions:
USH2A-related disorder. Also called: USH2A-related condition; USH2A-related disorders. Identifiers: MedGen CN239332.

Submission:

Myriad Genetics, Inc.
Classification: Pathogenic for USH2A-related disorder. Last evaluated: 2026-02-03. Review status: criteria provided, single submitter. Criteria: Myriad Autosomal Dominant, Autosomal Recessive and X-Linked Classification Criteria (2023). Collection method: clinical testing. Allele origin: unknown.
Comment: NM_206933.2(USH2A):c.1869C>A(Y623*) is expected to be pathogenic in the context of USH2A-related disorders. This variant is predicted to lead to an abnormal or absent protein product due to the creation of a premature termination codon in USH2A, a gene where loss-of-function variants are known to be pathogenic. Please note: this variant was assessed in the context of healthy population screening.